The following is an entry in ClinVar:

ClinVar aggregate classification (germline): Benign. Review status: criteria provided, multiple submitters, no conflicts (2 of 4 stars). 2 submissions from 2 submitters: Benign (2). Last evaluated 2026-02-02.

Submissions (2):

Labcorp Genetics (formerly Invitae), Labcorp
Classification: Benign. Last evaluated: 2026-02-02. Review status: criteria provided, single submitter. Criteria: Invitae Variant Classification Sherloc (09022015). Collection method: clinical testing. Allele origin: germline.

Mayo Clinic Laboratories, Mayo Clinic
Classification: Benign. Last evaluated: 2023-05-01. Review status: criteria provided, single submitter. Criteria: ACMG Guidelines, 2015. Collection method: clinical testing. Allele origin: germline. Observed: 42 variant alleles.
Comment: BA1

NM_033109.5(PNPT1):c.1285-4dup

Gene: PNPT1 (polyribonucleotide nucleotidyltransferase 1; minus strand). Cytogenetic location: 2p16.1.
Variant type: Duplication.
Coding change: c.1285-4dup on transcript NM_033109.5 (MANE Select); 4 bases into the intron before coding-DNA position 1285, one base duplicated (T; older notation c.1285-4dupT).
Molecular consequence: intron variant.
Genome position (GRCh38, 1-based): chr2:55,656,375, A duplicated on the plus strand (T on the coding strand, the reverse complement: PNPT1 is on the minus strand); the first of 13 consecutive A bases (chr2:55,656,375-55,656,387); duplicating any one gives the same sequence. VCF-style (leftmost placement, unchanged base first): chr2-55656374-T-TA. GRCh37 (hg19) VCF-style: chr2-55883509-T-TA.
Other names: p.?.
Identifiers: ClinVar variation 1632669 (VCV001632669.9), dbSNP rs745754666, ClinGen allele CA1668124.
Genomic context (GRCh38, chr2:55,656,374, plus strand): 5'-GTTCTCTTCTATTTAAACCAGTGACTTTGCCAATTTCATTAGTTGCATAAGGAGGAAACT[T>TA]AAAAAAAAAAAAACACAAACACACATATACAATTGACATAGAAAGATGTCCAAGTTATAT-3'